The following is an entry in ClinVar:

NM_006306.4(SMC1A):c.2035G>T (p.Glu679Ter)

Gene: SMC1A (structural maintenance of chromosomes 1A; minus strand). Cytogenetic location: Xp11.22.
Variant type: single nucleotide variant.
Coding change: c.2035G>T on transcript NM_006306.4 (MANE Select); coding-DNA position 2035, G replaced by T.
Protein change: p.Glu679Ter; replaces glutamic acid 679 with a stop codon.
Molecular consequence: nonsense.
Genome position (GRCh38, 1-based): chrX:53,405,268, C>A on the plus strand (G>T on the coding strand, the complement: SMC1A is on the minus strand). VCF-style: chrX-53405268-C-A. GRCh37 (hg19) VCF-style: chrX-53432200-C-A.
Other names: c.1969G>T, p.Glu657Ter (NM_001281463.1); short protein forms E657*, E679*.
Identifiers: ClinVar variation 619027 (VCV000619027.2), dbSNP rs1569356968, ClinGen allele CA413252173.
Genomic context (GRCh38, chrX:53,405,268, plus strand): 5'-ACTCCCACTGCTAAAAACAGCACTGCCTGTGGCTTACTTTCAGCTCCTCTGTCAAGCGCT[C>A]CTTCTTCTCTTTCAACTTGTCTACTGCTTTCTCATCCCAGCGCCGTGCCTTGGCCTTCAG-3'

ClinVar aggregate classification (germline): Pathogenic (0 of 4 stars; one submission).

Conditions:
Congenital muscular hypertrophy-cerebral syndrome (CDLS2). Also called: SMC1A-Related Cornelia de Lange Syndrome; Cornelia de Lange syndrome 2. Identifiers: Orphanet 199, MedGen C1802395, MONDO:0010370, OMIM 300590.

Submission:

Foundation for Research in Genetics and Endocrinology, FRIGE's Institute of Human Genetics
Classification: Pathogenic for Congenital muscular hypertrophy-cerebral syndrome. Last evaluated: 2019-02-15. Review status: no assertion criteria provided. Collection method: clinical testing. Allele origin: germline. Inheritance: X-linked dominant inheritance. Affected: yes. Observed: 1 heterozygote.
Comment: The following variant was seen in heterozygous status: NM_006306.3:c.2035G>T/p.Glu679Ter in exon-12 of the SMC1A gene and has not been reported in the 1000 Genomes, ExAC and gnomAD databases. The in silico prediction of this variant is disease causing by MutationTaster2. Furthermore, nonsense mutations in this gene have been previously associated with Cornelia de Lange type 2 disease.